The following is an entry in ClinVar:

NM_001142800.2(EYS):c.2402G>A (p.Trp801Ter)

Gene: EYS (EGF-like photoreceptor maintenance factor; minus strand). Cytogenetic location: 6q12.
Variant type: single nucleotide variant.
Coding change: c.2402G>A on transcript NM_001142800.2 (MANE Select); coding-DNA position 2402, G replaced by A.
Protein change: p.Trp801Ter; replaces tryptophan 801 with a stop codon.
Molecular consequence: nonsense.
Genome position (GRCh38, 1-based): chr6:64,912,723, C>T on the plus strand (G>A on the coding strand, the complement: EYS is on the minus strand). VCF-style: chr6-64912723-C-T. GRCh37 (hg19) VCF-style: chr6-65622616-C-T.
Other names: c.2402G>A, p.Trp801Ter (NM_001292009.2); short protein forms W801*.
Identifiers: ClinVar variation 4892661 (VCV004892661.2).
Genomic context (GRCh38, chr6:64,912,723, plus strand): 5'-CCATTCATGCATGGATCAGAGTCGCATTCATTTATTTCTTCACTACAGTTCTGTCCAGTC[C>T]ATCCAGATGTACACTCACATCTGAAATAAAATATTAAAATTTTTAGAAGTGTGAACTCTT-3'

ClinVar aggregate classification (germline): Pathogenic/Likely pathogenic. Review status: criteria provided, multiple submitters, no conflicts (2 of 4 stars). 2 submissions from 2 submitters: Pathogenic (1); Likely pathogenic (1). Last evaluated 2025-08-19.

Conditions:
Retinitis pigmentosa 25 (RP25). Identifiers: Orphanet 791, MedGen C1864446, MONDO:0011272, OMIM 602772.
EYS-related disorder. Also called: EYS-related condition.

Submissions (2):

Myriad Genetics, Inc.
Classification: Pathogenic for Retinitis pigmentosa 25. Last evaluated: 2025-08-19. Review status: criteria provided, single submitter. Criteria: Myriad Autosomal Dominant, Autosomal Recessive and X-Linked Classification Criteria (2023). Collection method: clinical testing. Allele origin: unknown.
Comment: NM_001142800.1(EYS):c.2402G>A(W801*) is expected to be pathogenic in the context of retinitis pigmentosa, EYS-related. This variant is predicted to lead to an abnormal or absent protein product due to the creation of a premature termination codon in EYS, a gene where loss-of-function variants are known to be pathogenic. Please note: this variant was assessed in the context of healthy population screening.

Blueprint Genetics
Classification: Likely pathogenic for EYS-related disorders. Last evaluated: 2021-07-13. Review status: criteria provided, single submitter. Criteria: ACMG Guidelines, 2015. Collection method: clinical testing. Allele origin: germline. Affected: yes. Observed: 1 variant allele.